The following is an entry in ClinVar:

NM_007294.4(BRCA1):c.671-6T>G

Gene: BRCA1 (BRCA1 DNA repair associated; minus strand). Cytogenetic location: 17q21.31.
Variant type: single nucleotide variant.
Coding change: c.671-6T>G on transcript NM_007294.4 (MANE Select); 6 bases into the intron before coding-DNA position 671, T replaced by G.
Molecular consequence: intron variant.
Genome position (GRCh38, 1-based): chr17:43,094,866, A>C on the plus strand (T>G on the coding strand, the complement: BRCA1 is on the minus strand). VCF-style: chr17-43094866-A-C. GRCh37 (hg19) VCF-style: chr17-41246883-A-C.
Other names: c.530-6T>G (NM_001408458.1, NM_001408469.1, NM_001408453.1 and 43 more transcripts); c.-218-6T>G (NM_001407967.1, NM_001407966.1); c.290-6T>G (NM_001407959.1, NM_001408510.1, NM_001407963.1 and 1 more transcripts); c.404-6T>G (NM_001407931.1, NM_001407932.1, NM_001408503.1 and 5 more transcripts); c.527-6T>G (NM_001407747.1, NM_001408470.1, NM_001407848.1 and 26 more transcripts); c.287-6T>G (NM_001407962.1); c.167-6T>G (NM_001408512.1, NM_001407965.1); c.461-6T>G (NM_001407885.1, NM_001407886.1, NM_001407881.1 and 25 more transcripts); and 20 more.
Identifiers: ClinVar variation 240829 (VCV000240829.6), dbSNP rs878854964, ClinGen allele CA10583587.

ClinVar aggregate classification (germline): Uncertain significance. Review status: criteria provided, multiple submitters, no conflicts (2 of 4 stars). 5 submissions from 5 submitters: Uncertain significance (3). 2 of the submissions do not count toward it. Last evaluated 2019-06-07.

Conditions:
Hereditary cancer-predisposing syndrome. Also called: Tumor predisposition; Neoplastic Syndromes, Hereditary; Hereditary Cancer Syndrome; Hereditary neoplastic syndrome. Identifiers: Orphanet 140162, MedGen C0027672, MeSH D009386, MONDO:0015356.
Hereditary breast ovarian cancer syndrome. Also called: Hereditary breast and ovarian cancer syndrome; Hereditary breast and ovarian cancer; Hereditary breast and ovarian cancer syndrome (HBOC); Hereditary breast and/or ovarian cancer syndrome; Breast and ovarian cancer; BRCA1- and BRCA2-Associated Hereditary Breast and Ovarian Cancer. Identifiers: Orphanet 145, MedGen C0677776, MeSH D061325, MONDO:0003582. Disease mechanism: loss of function.
Familial cancer of breast. Also called: Hereditary breast cancer; BREAST CANCER, FAMILIAL; hereditary breast carcinoma. Identifiers: Orphanet 227535, MedGen C0346153, MONDO:0016419, OMIM 114480. Disease mechanism: loss of function.
Malignant tumor of breast. Also called: Cancer breast; Malignant breast neoplasm. Identifiers: MedGen C0006142, MONDO:0007254. Disease mechanism: loss of function.

Allele frequency attached by ClinVar (database versions not stated): gnomAD exomes below 0.00001.
gnomAD v4.1: 2 of 1,601,940 alleles (0.00012%); highest among the groups gnomAD compares: East Asian, 0.0045%; no homozygotes.

Submissions (5):

Color Diagnostics, LLC DBA Color Health
Classification: Uncertain significance for Hereditary cancer-predisposing syndrome. Last evaluated: 2019-06-07. Review status: criteria provided, single submitter. Criteria: ACMG Guidelines, 2015. Collection method: clinical testing. Allele origin: germline.

Women's Health and Genetics/Laboratory Corporation of America, LabCorp
Classification: Uncertain significance. Last evaluated: 2019-02-19. Review status: criteria provided, single submitter. Criteria: LabCorp Variant Classification Summary - May 2015. Collection method: clinical testing. Allele origin: germline.
Comment: Variant summary: BRCA1 c.671-6T>G alters a conserved nucleotide located close to a canonical splice site and therefore could affect mRNA splicing, leading to a significantly altered protein sequence. Several computational tools predict an impact on normal splicing: Four predict the variant weakens a 3 acceptor site. One predict the variant abolishes a 3 acceptor site. However, these predictions have yet to be confirmed by functional studies. The variant was absent in 254334 control chromosomes (gnomAD). The available data on variant occurrences in the general population are insufficient to allow any conclusion about variant significance. To our knowledge, no occurrence of c.671-6T>G in individuals affected with Hereditary Breast and Ovarian Cancer and no experimental evidence demonstrating its impact on protein function have been reported. A ClinVar submission from a clinical diagnostic laboratory (evaluation after 2014) cites the variant as uncertain significance. Based on the evidence outlined above, the variant was classified as uncertain significance.

Labcorp Genetics (formerly Invitae), Labcorp
Classification: Uncertain significance for Hereditary breast ovarian cancer syndrome. Last evaluated: 2016-02-24. Review status: criteria provided, single submitter. Criteria: Invitae Variant Classification Sherloc (09022015). Collection method: clinical testing. Allele origin: germline.
Comment: This sequence change falls in intron 9 of the BRCA1 mRNA. It does not directly change the encoded amino acid sequence of the BRCA1 protein. This variant is not present in population databases (ExAC no frequency) and has not been reported in the literature in individuals with a BRCA1-related disease. Algorithms developed to predict the effect of sequence changes on mRNA splicing suggest that this variant may alter mRNA splicing, but this prediction has not been confirmed by published transcriptional studies. In summary, this is a novel intronic change with uncertain impact on splicing. It has been classified as a Variant of Uncertain Significance.

Center for Precision Medicine, Meizhou People's Hospital
Classification: Uncertain significance for Familial cancer of breast. Review status: no assertion criteria provided. Collection method: curation. Allele origin: germline. Affected: yes. Not counted in ClinVar's aggregate classification.

Department of Pathology and Laboratory Medicine, Sinai Health System
Classification: Uncertain significance for Malignant tumor of breast. Review status: no assertion criteria provided. Collection method: clinical testing. Allele origin: unknown. Affected: yes. Study: The Canadian Open Genetics Repository (COGR). Not counted in ClinVar's aggregate classification.
Comment: The c.671-6T>G variant has not been previously identified in the literature. This variant is located in the 3' splice region but does not affect the invariant -1 and -2 positions. However, positions -3 and -5 to -12 are part of the splicing consensus sequence and variants involving these positions sometimes affect splicing. In-silico or computational prediction software (SpliceSiteFinder, MaxEntScan, NNSPLICE, HumanSpliceFinder) predicts modest impact on the splicing scores, however this observation is inadequate for assessing pathogenicity. In summary, the clinical significance of this variant cannot be determined with certainty at this time. Therefore this variant is a variant of unknown significance (VUS).